The following is an entry in ClinVar:

NM_013266.4(CTNNA3):c.1630G>A (p.Ala544Thr)

Gene: CTNNA3 (catenin alpha 3; minus strand). Cytogenetic location: 10q21.3.
Variant type: single nucleotide variant.
Coding change: c.1630G>A on transcript NM_013266.4 (MANE Select); coding-DNA position 1630, G replaced by A.
Protein change: p.Ala544Thr; replaces alanine 544 with threonine.
Molecular consequence: missense variant.
Genome position (GRCh38, 1-based): chr10:66,379,254, C>T on the plus strand (G>A on the coding strand, the complement: CTNNA3 is on the minus strand). VCF-style: chr10-66379254-C-T. GRCh37 (hg19) VCF-style: chr10-68139012-C-T.
Other names: c.1630G>A, p.Ala544Thr (NM_001127384.3); c.1630G>A (NM_013266.2); short protein forms A544T.
Identifiers: ClinVar variation 1448236 (VCV001448236.9), dbSNP rs376250417, ClinGen allele CA209003232.

ClinVar aggregate classification (germline): Uncertain significance. Review status: criteria provided, multiple submitters, no conflicts (2 of 4 stars). 2 submissions from 2 submitters: Uncertain significance (2). Last evaluated 2026-03-12.

Conditions:
Arrhythmogenic right ventricular dysplasia 13. Also called: ARRHYTHMOGENIC RIGHT VENTRICULAR CARDIOMYOPATHY 13; Arrhythmogenic right ventricular dysplasia, familial, 13. Identifiers: MedGen C3810138, MONDO:0000908, OMIM 615616.

Allele frequency attached by ClinVar (database versions not stated): gnomAD exomes below 0.00001; gnomAD 0.00003; TOPMed 0.00004.
gnomAD v4.1: 5 of 1,613,996 alleles (0.00031%); highest among the groups gnomAD compares: Admixed American, 0.0083%; no homozygotes.

Submissions (2):

Ambry Genetics
Classification: Uncertain significance. Last evaluated: 2026-03-12. Review status: criteria provided, single submitter. Criteria: Ambry Variant Classification Scheme 2023. Collection method: clinical testing. Allele origin: germline.
Comment: The p.A544T variant (also known as c.1630G>A), located in coding exon 11 of the CTNNA3 gene, results from a G to A substitution at nucleotide position 1630. The alanine at codon 544 is replaced by threonine, an amino acid with similar properties. This amino acid position is conserved. In addition, the in silico prediction for this alteration is inconclusive. Based on the available evidence, the clinical significance of this variant remains unclear.

Labcorp Genetics (formerly Invitae), Labcorp
Classification: Uncertain significance for Arrhythmogenic right ventricular dysplasia 13. Last evaluated: 2021-05-30. Review status: criteria provided, single submitter. Criteria: Invitae Variant Classification Sherloc (09022015). Collection method: clinical testing. Allele origin: germline.
Comment: In summary, the available evidence is currently insufficient to determine the role of this variant in disease. Therefore, it has been classified as a Variant of Uncertain Significance. Algorithms developed to predict the effect of missense changes on protein structure and function are either unavailable or do not agree on the potential impact of this missense change (SIFT: "Deleterious"; PolyPhen-2: "Not Available"; Align-GVGD: "Class C0"). This variant has not been reported in the literature in individuals with CTNNA3-related conditions. This variant is not present in population databases (ExAC no frequency). This sequence change replaces alanine with threonine at codon 544 of the CTNNA3 protein (p.Ala544Thr). The alanine residue is moderately conserved and there is a small physicochemical difference between alanine and threonine.